The following is an entry in ClinVar:

ClinVar aggregate classification (germline): Uncertain significance (1 of 4 stars; one submission).

Conditions:
Desmin-related myofibrillar myopathy (MFM1). Also called: Desminopathy; Desmin related myopathy (former name); Desmin storage myopathy (former name); MYOFIBRILLAR MYOPATHY WITH ARRHYTHMOGENIC RIGHT VENTRICULAR CARDIOMYOPATHY; DESMIN-RELATED MYOPATHY WITH ARRHYTHMOGENIC RIGHT VENTRICULAR CARDIOMYOPATHY; Myofibrillar myopathy 1. Identifiers: Orphanet 363543, Orphanet 98909, MedGen C1832370, MONDO:0011076, OMIM 601419.

Allele frequency attached by ClinVar (database versions not stated): gnomAD exomes below 0.00001.

Submission:

Labcorp Genetics (formerly Invitae), Labcorp
Classification: Uncertain significance for Desmin-related myofibrillar myopathy. Last evaluated: 2025-08-18. Review status: criteria provided, single submitter. Criteria: Invitae Variant Classification Sherloc (09022015). Collection method: clinical testing. Allele origin: germline.
Comment: This sequence change replaces valine, which is neutral and non-polar, with methionine, which is neutral and non-polar, at codon 140 of the DES protein (p.Val140Met). This variant is not present in population databases (gnomAD no frequency). This variant has not been reported in the literature in individuals affected with DES-related conditions. ClinVar contains an entry for this variant (Variation ID: 1355796). Invitae Evidence Modeling of protein sequence and biophysical properties (such as structural, functional, and spatial information, amino acid conservation, physicochemical variation, residue mobility, and thermodynamic stability) has been performed for this missense variant. However, the output from this modeling did not meet the statistical confidence thresholds required to predict the impact of this variant on DES protein function. In summary, the available evidence is currently insufficient to determine the role of this variant in disease. Therefore, it has been classified as a Variant of Uncertain Significance.

NM_001927.4(DES):c.418G>A (p.Val140Met)

Gene: DES (desmin; plus strand). Cytogenetic location: 2q35.
Variant type: single nucleotide variant.
Coding change: c.418G>A on transcript NM_001927.4 (MANE Select); coding-DNA position 418, G replaced by A.
Protein change: p.Val140Met; replaces valine 140 with methionine.
Molecular consequence: missense variant.
Genome position (GRCh38, 1-based): chr2:219,418,880, G>A. VCF-style: chr2-219418880-G-A. GRCh37 (hg19) VCF-style: chr2-220283602-G-A.
Other names: c.418G>A, p.Val140Met (NM_001382708.1, NM_001382709.1, NM_001382710.1 and 3 more transcripts); short protein forms V140M.
Identifiers: ClinVar variation 1355796 (VCV001355796.7), dbSNP rs1377068684, ClinGen allele CA350686024.